The following is an entry in ClinVar:

NM_000202.8(IDS):c.401G>A (p.Gly134Glu)

Gene: IDS (iduronate 2-sulfatase; minus strand). Cytogenetic location: Xq28.
Variant type: single nucleotide variant.
Coding change: c.401G>A on transcript NM_000202.8 (MANE Select); coding-DNA position 401, G replaced by A.
Protein change: p.Gly134Glu; replaces glycine 134 with glutamic acid.
Molecular consequence: missense variant. On other transcripts: non-coding transcript variant (1).
Genome position (GRCh38, 1-based): chrX:149,503,329, C>T on the plus strand (G>A on the coding strand, the complement: IDS is on the minus strand). VCF-style: chrX-149503329-C-T. GRCh37 (hg19) VCF-style: chrX-148584859-C-T.
Other names: c.131G>A, p.Gly44Glu (NM_001166550.4); c.401G>A, p.Gly134Glu (NM_006123.5); short protein forms G134E, G44E.
Identifiers: ClinVar variation 221207 (VCV000221207.5), dbSNP rs193302910, ClinGen allele CA350842.

ClinVar aggregate classification (germline): Pathogenic/Likely pathogenic. Review status: criteria provided, multiple submitters, no conflicts (2 of 4 stars). 3 submissions from 3 submitters: Pathogenic (2); Likely pathogenic (1). Last evaluated 2025-12-13.

Conditions:
Mucopolysaccharidosis, MPS-II (MPS2). Also called: Hunter Syndrome; Mucopolysaccharidosis with skin involvement; Mucopolysaccharidosis type 2; IDURONATE 2-SULFATASE DEFICIENCY; Mucopolysaccharidosis Type II; IDS deficiency. Identifiers: Orphanet 580, Orphanet 79388, MedGen C0026705, MONDO:0010674, OMIM 309900.

Submissions (3):

Labcorp Genetics (formerly Invitae), Labcorp
Classification: Pathogenic for Mucopolysaccharidosis, MPS-II. Last evaluated: 2025-12-13. Review status: criteria provided, single submitter. Criteria: Invitae Variant Classification Sherloc (09022015). Collection method: clinical testing. Allele origin: germline.
Comment: This sequence change replaces glycine, which is neutral and non-polar, with glutamic acid, which is acidic and polar, at codon 134 of the IDS protein (p.Gly134Glu). This variant is not present in population databases (gnomAD no frequency). This missense change has been observed in individual(s) with mucopolysaccharidosis type II (PMID: 22976768, 27246110, 27896113). ClinVar contains an entry for this variant (Variation ID: 221207). Invitae Evidence Modeling of protein sequence and biophysical properties (such as structural, functional, and spatial information, amino acid conservation, physicochemical variation, residue mobility, and thermodynamic stability) indicates that this missense variant is expected to disrupt IDS protein function with a positive predictive value of 80%. This variant disrupts the p.Gly134 amino acid residue in IDS. Other variant(s) that disrupt this residue have been determined to be pathogenic (PMID: 8940265, 22976768, 27246110). This suggests that this residue is clinically significant, and that variants that disrupt this residue are likely to be disease-causing. For these reasons, this variant has been classified as Pathogenic.

Laboratory of Diagnosis and Therapy of Lysosomal Disorders, University of Padova
Classification: Likely pathogenic for Mucopolysaccharidosis, MPS-II. Last evaluated: 2024-06-07. Review status: criteria provided, single submitter. Criteria: ACMG Guidelines, 2015. Collection method: literature only. Allele origin: germline. Affected: yes. Observed: 4 variant alleles.
Comment: Absent from controls (or at low frequency) in gnomAD database (PM2_Moderate), Missense variant in a gene with a low rate of benign missense variation (PP2_Supporting), Multiple lines of computational evidence support a deleterious effect (PP3_Supporting), Patient’s phenotype or family history highly specific for the disease (PP4_Moderate)

Classification method: ACMG Guidelines [PMID:25741868] with modifications

IIFP, CONICET-UNLP
Classification: Pathogenic for Mucopolysaccharidosis, MPS-II. Last evaluated: 2008-02-26. Review status: criteria provided, single submitter. Criteria: ACMG Guidelines, 2007. Collection method: research. Allele origin: maternal. Inheritance: X-linked inheritance. Affected: yes. Observed: 1 variant allele.

Literature cited by the submitters: PubMed 22976768 (cited by Labcorp Genetics (formerly Invitae), Labcorp and Laboratory of Diagnosis and Therapy of Lysosomal Disorders, University of Padova); PubMed 27246110 (cited by Labcorp Genetics (formerly Invitae), Labcorp and Laboratory of Diagnosis and Therapy of Lysosomal Disorders, University of Padova); PubMed 27896113 (cited by Labcorp Genetics (formerly Invitae), Labcorp and Laboratory of Diagnosis and Therapy of Lysosomal Disorders, University of Padova); PubMed 8940265 (cited by Labcorp Genetics (formerly Invitae), Labcorp); DOI 10.1016/j.ymgmr.2014.08.006 (cited by IIFP, CONICET-UNLP).